The following is an entry in ClinVar:

NM_001377458.1(CLCC1):c.743A>G (p.Glu248Gly)

Gene: CLCC1 (chloride channel CLIC like 1; minus strand). Cytogenetic location: 1p13.3.
Variant type: single nucleotide variant.
Coding change: c.743A>G on transcript NM_001377458.1 (MANE Select); coding-DNA position 743, A replaced by G.
Protein change: p.Glu248Gly; replaces glutamic acid 248 with glycine.
Molecular consequence: missense variant. On other transcripts: non-coding transcript variant (1), intron variant (1).
Genome position (GRCh38, 1-based): chr1:108,941,458, T>C on the plus strand (A>G on the coding strand, the complement: CLCC1 is on the minus strand). VCF-style: chr1-108941458-T-C. GRCh37 (hg19) VCF-style: chr1-109484080-T-C.
Other names: c.743A>G, p.Glu248Gly (NM_001048210.3, NM_001377459.1, NM_001377460.1 and 8 more transcripts); c.380A>G, p.Glu127Gly (NM_001278202.2); c.641A>G, p.Glu214Gly (NM_001377469.1); c.452A>G, p.Glu151Gly (NM_001377470.1); c.593A>G, p.Glu198Gly (NM_015127.5); c.340-1676A>G (NM_001278203.1); short protein forms E127G, E151G, E198G, E214G, E248G.
Identifiers: ClinVar variation 2048241 (VCV002048241.3), dbSNP rs1181723914, ClinGen allele CA341461340.

ClinVar aggregate classification (germline): Uncertain significance (1 of 4 stars; one submission).

Allele frequency attached by ClinVar (database versions not stated): gnomAD exomes below 0.00001; TOPMed below 0.00001.

Submission:

Labcorp Genetics (formerly Invitae), Labcorp
Classification: Uncertain significance. Last evaluated: 2021-12-19. Review status: criteria provided, single submitter. Criteria: Invitae Variant Classification Sherloc (09022015). Collection method: clinical testing. Allele origin: germline.
Comment: This sequence change replaces glutamic acid, which is acidic and polar, with glycine, which is neutral and non-polar, at codon 248 of the CLCC1 protein (p.Glu248Gly). The frequency data for this variant in the population databases is considered unreliable, as metrics indicate poor data quality at this position in the gnomAD database. This variant has not been reported in the literature in individuals affected with CLCC1-related conditions. Algorithms developed to predict the effect of missense changes on protein structure and function (SIFT, PolyPhen-2, Align-GVGD) all suggest that this variant is likely to be tolerated. In summary, the available evidence is currently insufficient to determine the role of this variant in disease. Therefore, it has been classified as a Variant of Uncertain Significance.